The following is an entry in ClinVar:

ClinVar aggregate classification (germline): Uncertain significance (1 of 4 stars; one submission).

gnomAD v4.1: 1 of 1,610,152 alleles (0.000062%); highest among the groups gnomAD compares: Non-Finnish European, 0.000085%; no homozygotes.

Submission:

Women's Health and Genetics/Laboratory Corporation of America, LabCorp
Classification: Uncertain significance. Last evaluated: 2021-03-15. Review status: criteria provided, single submitter. Criteria: LabCorp Variant Classification Summary - May 2015. Collection method: clinical testing. Allele origin: germline.
Comment: Variant summary: HRAS c.-2C>A is located in the untranslated mRNA region upstream of the initiation codon. The variant allele was found at a frequency of 4e-06 in 247930 control chromosomes. The available data on variant occurrences in the general population are insufficient to allow any conclusion about variant significance. To our knowledge, no occurrence of c.-2C>A in individuals affected with Costello Syndrome and no experimental evidence demonstrating its impact on protein function have been reported. No clinical diagnostic laboratories have submitted clinical-significance assessments for this variant to ClinVar after 2014. Based on the evidence outlined above, the variant was classified as uncertain significance.

NM_005343.4(HRAS):c.-2C>A

Genes: HRAS (HRas proto-oncogene, GTPase; minus strand), LRRC56 (leucine rich repeat containing 56; plus strand). Cytogenetic location: 11p15.5.
Variant type: single nucleotide variant.
Coding change: c.-2C>A on transcript NM_005343.4 (MANE Select); 2 bases upstream of the start codon, C replaced by A.
Molecular consequence: 5 prime UTR variant.
Genome position (GRCh38, 1-based): chr11:534,324, G>T on the plus strand (C>A on the coding strand, the complement: HRAS is on the minus strand). VCF-style: chr11-534324-G-T. GRCh37 (hg19) VCF-style: chr11-534324-G-T.
Other names: c.-2C>A (NM_001130442.3, NM_176795.5); c.-321C>A (NM_001318054.2).
Identifiers: ClinVar variation 1027582 (VCV001027582.1), dbSNP rs757657838, ClinGen allele CA5779441.
Genomic context (GRCh38, chr11:534,324, plus strand): 5'-GTCAGCGCACTCTTGCCCACACCGCCGGCGCCCACCACCACCAGCTTATATTCCGTCATC[G>T]CTCCTCAGGGGCCTGCGGCCCGGGGTCCTCCTACAGGGTCTCCTGCCCCACCTGCCAAGG-3'